The following is an entry in ClinVar:

ClinVar aggregate classification (germline): Uncertain significance (1 of 4 stars; one submission).

Submission:

Mayo Clinic Laboratories, Mayo Clinic
Classification: Uncertain significance. Last evaluated: 2024-09-16. Review status: criteria provided, single submitter. Criteria: ACMG Guidelines, 2015. Collection method: clinical testing. Allele origin: germline. Observed: 1 variant allele.
Comment: BP4, PM2

NM_005070.4(SLC4A3):c.1951G>A (p.Gly651Ser)

Gene: SLC4A3 (solute carrier family 4 member 3; plus strand). Cytogenetic location: 2q35.
Variant type: single nucleotide variant.
Coding change: c.1951G>A on transcript NM_005070.4 (MANE Select); coding-DNA position 1951, G replaced by A.
Protein change: p.Gly651Ser; replaces glycine 651 with serine.
Molecular consequence: missense variant. On other transcripts: non-coding transcript variant (1).
Genome position (GRCh38, 1-based): chr2:219,635,475, G>A. VCF-style: chr2-219635475-G-A. GRCh37 (hg19) VCF-style: chr2-220500197-G-A.
Other names: p.Gly678Ser; c.2032G>A, p.Gly678Ser (NM_001326559.2, NM_201574.3); short protein forms G651S, G678S.
Identifiers: ClinVar variation 3379429 (VCV003379429.1).